The following is an entry in ClinVar:

NM_001002295.2(GATA3):c.845A>C (p.His282Pro)

Gene: GATA3 (GATA binding protein 3; plus strand). Cytogenetic location: 10p14.
Variant type: single nucleotide variant.
Coding change: c.845A>C on transcript NM_001002295.2 (MANE Select); coding-DNA position 845, A replaced by C.
Protein change: p.His282Pro; replaces histidine 282 with proline.
Molecular consequence: missense variant.
Genome position (GRCh38, 1-based): chr10:8,064,059, A>C. VCF-style: chr10-8064059-A-C. GRCh37 (hg19) VCF-style: chr10-8106022-A-C.
Other names: c.842A>C, p.His281Pro (NM_002051.3); short protein forms H282P, H281P.
Identifiers: ClinVar variation 3645854 (VCV003645854.2).

ClinVar aggregate classification (germline): Uncertain significance (1 of 4 stars; one submission).

Submission:

Labcorp Genetics (formerly Invitae), Labcorp
Classification: Uncertain significance. Last evaluated: 2024-03-13. Review status: criteria provided, single submitter. Criteria: Invitae Variant Classification Sherloc (09022015). Collection method: clinical testing. Allele origin: germline.
Comment: This sequence change replaces histidine, which is basic and polar, with proline, which is neutral and non-polar, at codon 282 of the GATA3 protein (p.His282Pro). This variant is not present in population databases (gnomAD no frequency). This variant has not been reported in the literature in individuals affected with GATA3-related conditions. Advanced modeling of protein sequence and biophysical properties (such as structural, functional, and spatial information, amino acid conservation, physicochemical variation, residue mobility, and thermodynamic stability) performed at Invitae indicates that this missense variant is expected to disrupt GATA3 protein function with a positive predictive value of 80%. In summary, the available evidence is currently insufficient to determine the role of this variant in disease. Therefore, it has been classified as a Variant of Uncertain Significance.